The following is an entry in ClinVar:

NM_015338.6(ASXL1):c.1709C>T (p.Pro570Leu)

Gene: ASXL1 (ASXL transcriptional regulator 1; plus strand). Cytogenetic location: 20q11.21.
Variant type: single nucleotide variant.
Coding change: c.1709C>T on transcript NM_015338.6 (MANE Select); coding-DNA position 1709, C replaced by T.
Protein change: p.Pro570Leu; replaces proline 570 with leucine.
Molecular consequence: missense variant.
Genome position (GRCh38, 1-based): chr20:32,433,907, C>T. VCF-style: chr20-32433907-C-T. GRCh37 (hg19) VCF-style: chr20-31021710-C-T.
Other names: c.1526C>T, p.Pro509Leu (NM_001363734.1); short protein forms P509L, P570L.
Identifiers: ClinVar variation 3957196 (VCV003957196.1).
Genomic context (GRCh38, chr20:32,433,907, plus strand): 5'-ACACAATTGAAAGTGTTCACACCGAAAAGCCACAGCCCACTAAAGAGGAGCCCAAAGTCC[C>T]GCCCATCCGGGTAGGAGACTGTTTGATTCCTGGCTGCCCTGGAGCCAGGTTTTCTTTGAG-3'
Protein context (NP_056153.2, residues 560-580): PQPTKEEPKV[Pro570Leu]PIRIQLSRIK

ClinVar aggregate classification (germline): Uncertain significance (1 of 4 stars; one submission).

Conditions:
Inborn genetic diseases. Identifiers: MedGen C0950123, MeSH D030342.

gnomAD v4.1: 6 of 1,612,968 alleles (0.00037%); highest among the groups gnomAD compares: Non-Finnish European, 0.00042%; no homozygotes.

Submission:

Ambry Genetics
Classification: Uncertain significance for Inborn genetic diseases. Last evaluated: 2025-05-22. Review status: criteria provided, single submitter. Criteria: Ambry Variant Classification Scheme 2023. Collection method: clinical testing. Allele origin: germline.
Comment: The p.P570L variant (also known as c.1709C>T), located in coding exon 12 of the ASXL1 gene, results from a C to T substitution at nucleotide position 1709. The proline at codon 570 is replaced by leucine, an amino acid with similar properties. This amino acid position is conserved. In addition, the in silico prediction for this alteration is inconclusive. Based on the available evidence, the clinical significance of this variant remains unclear.